The following is an entry in ClinVar:

ClinVar aggregate classification (germline): Uncertain significance (1 of 4 stars; one submission).

Submission:

Ambry Genetics
Classification: Uncertain significance. Last evaluated: 2025-12-15. Review status: criteria provided, single submitter. Criteria: Ambry Variant Classification Scheme 2023. Collection method: clinical testing. Allele origin: germline.
Comment: The p.D802E variant (also known as c.2406T>A), located in coding exon 1 of the MLH3 gene, results from a T to A substitution at nucleotide position 2406. The aspartic acid at codon 802 is replaced by glutamic acid, an amino acid with highly similar properties. This amino acid position is conserved. In addition, this alteration is predicted to be tolerated by in silico analysis. Since supporting evidence is limited at this time, the clinical significance of this alteration remains unclear.

NM_001040108.2(MLH3):c.2406T>A (p.Asp802Glu)

Gene: MLH3 (mutL homolog 3; minus strand). Cytogenetic location: 14q24.3.
Variant type: single nucleotide variant.
Coding change: c.2406T>A on transcript NM_001040108.2 (MANE Select); coding-DNA position 2406, T replaced by A.
Protein change: p.Asp802Glu; replaces aspartic acid 802 with glutamic acid.
Molecular consequence: missense variant.
Genome position (GRCh38, 1-based): chr14:75,047,250, A>T on the plus strand (T>A on the coding strand, the complement: MLH3 is on the minus strand). VCF-style: chr14-75047250-A-T. GRCh37 (hg19) VCF-style: chr14-75513953-A-T.
Other names: c.2406T>A, p.Asp802Glu (NM_014381.3); short protein forms D802E.
Identifiers: ClinVar variation 1790803 (VCV001790803.3), dbSNP rs1892305418, ClinGen allele CA390440711.